The following is an entry in ClinVar:

NM_005909.5(MAP1B):c.232G>T (p.Glu78Ter)

Gene: MAP1B (microtubule associated protein 1B; plus strand). Cytogenetic location: 5q13.2.
Variant type: single nucleotide variant.
Coding change: c.232G>T on transcript NM_005909.5 (MANE Select); coding-DNA position 232, G replaced by T.
Protein change: p.Glu78Ter; replaces glutamic acid 78 with a stop codon.
Molecular consequence: nonsense.
Genome position (GRCh38, 1-based): chr5:72,115,745, G>T. VCF-style: chr5-72115745-G-T. GRCh37 (hg19) VCF-style: chr5-71411572-G-T.
Other names: short protein forms E78*.
Identifiers: ClinVar variation 4881034 (VCV004881034.2).

ClinVar aggregate classification (germline): Uncertain significance (1 of 4 stars; one submission).

Conditions:
Periventricular nodular heterotopia 9. Identifiers: MedGen C5394503, MONDO:0030061, OMIM 618918.

gnomAD v4.1: 1 of 1,613,860 alleles (0.000062%); highest among the groups gnomAD compares: African/African-American, 0.0013%; no homozygotes.

Submission:

Dasa
Classification: Uncertain significance for Periventricular nodular heterotopia 9. Last evaluated: 2026-01-10. Review status: criteria provided, single submitter. Criteria: DASA Assertion Criteria. Collection method: clinical testing. Allele origin: germline.
Comment: NM_005909.5(MAP1B):c.232G>T (p.Glu78*) is a nonsense variant in MAP1B predicted to introduce a premature termination codon and is predicted to result in an absent or altered protein product. This variant is rare in population databases. The currently available literature and clinical evidence are not sufficient to establish a definitive association between this variant and the reported condition. Therefore, this variant is classified as a variant of uncertain significance.